The following is an entry in ClinVar:

NM_001378778.1(MPDZ):c.2554A>G (p.Ile852Val)

Gene: MPDZ (multiple PDZ domain crumbs cell polarity complex component; minus strand). Cytogenetic location: 9p23.
Variant type: single nucleotide variant.
Coding change: c.2554A>G on transcript NM_001378778.1 (MANE Select); coding-DNA position 2554, A replaced by G.
Protein change: p.Ile852Val; replaces isoleucine 852 with valine.
Molecular consequence: missense variant.
Genome position (GRCh38, 1-based): chr9:13,183,513, T>C on the plus strand (A>G on the coding strand, the complement: MPDZ is on the minus strand). VCF-style: chr9-13183513-T-C. GRCh37 (hg19) VCF-style: chr9-13183512-T-C.
Other names: c.2554A>G, p.Ile852Val (NM_001261406.2, NM_001261407.2, NM_001330637.2 and 14 more transcripts); short protein forms I852V.
Identifiers: ClinVar variation 1994888 (VCV001994888.4), dbSNP rs1352050223, ClinGen allele CA372935753.
Genomic context (GRCh38, chr9:13,183,513, plus strand): 5'-TCAGGCCATCACCACAAGAACTGCCATGAAGAGATAAAATAGAGGCTTGAGTAGAGTAGA[T>C]GCTGTCATTTTCAGGAGAGTATGGAGACTCAAATGTGGATTCATCTACTAAGTCAGCATC-3'
Protein context (NP_001365707.1, residues 842-862): ESPYSPENDS[Ile852Val]YSTQASILSL

ClinVar aggregate classification (germline): Uncertain significance (1 of 4 stars; one submission).

Allele frequency attached by ClinVar (database versions not stated): gnomAD exomes below 0.00001.

Submission:

Labcorp Genetics (formerly Invitae), Labcorp
Classification: Uncertain significance. Last evaluated: 2022-05-31. Review status: criteria provided, single submitter. Criteria: Invitae Variant Classification Sherloc (09022015). Collection method: clinical testing. Allele origin: germline.
Comment: This sequence change replaces isoleucine, which is neutral and non-polar, with valine, which is neutral and non-polar, at codon 852 of the MPDZ protein (p.Ile852Val). This variant is present in population databases (no rsID available, gnomAD 0.003%). This variant has not been reported in the literature in individuals affected with MPDZ-related conditions. Algorithms developed to predict the effect of missense changes on protein structure and function output the following: SIFT: "Tolerated"; PolyPhen-2: "Benign"; Align-GVGD: "Class C0". The valine amino acid residue is found in multiple mammalian species, which suggests that this missense change does not adversely affect protein function. In summary, the available evidence is currently insufficient to determine the role of this variant in disease. Therefore, it has been classified as a Variant of Uncertain Significance.